The following is an entry in ClinVar:

NM_003072.5(SMARCA4):c.653C>G (p.Pro218Arg)

Gene: SMARCA4 (SWI/SNF related BAF chromatin remodeling complex subunit ATPase 4; plus strand). Cytogenetic location: 19p13.2.
Variant type: single nucleotide variant.
Coding change: c.653C>G on transcript NM_003072.5 (MANE Select); coding-DNA position 653, C replaced by G.
Protein change: p.Pro218Arg; replaces proline 218 with arginine.
Molecular consequence: missense variant. On other transcripts: non-coding transcript variant (1).
Genome position (GRCh38, 1-based): chr19:10,986,486, C>G. VCF-style: chr19-10986486-C-G. GRCh37 (hg19) VCF-style: chr19-11097162-C-G.
Other names: c.653C>G, p.Pro218Arg (NM_001128844.3, NM_001128845.2, NM_001128846.2 and 6 more transcripts); short protein forms P218R.
Identifiers: ClinVar variation 3233139 (VCV003233139.1), dbSNP rs2145781924, ClinGen allele CA404056825.

ClinVar aggregate classification (germline): Uncertain significance (1 of 4 stars; one submission).

Conditions:
Hereditary cancer-predisposing syndrome. Also called: Neoplastic Syndromes, Hereditary; Tumor predisposition; Hereditary neoplastic syndrome; Hereditary Cancer Syndrome. Identifiers: Orphanet 140162, MedGen C0027672, MeSH D009386, MONDO:0015356.

Submission:

Ambry Genetics
Classification: Uncertain significance for Hereditary cancer-predisposing syndrome. Last evaluated: 2023-10-10. Review status: criteria provided, single submitter. Criteria: Ambry Variant Classification Scheme 2023. Collection method: clinical testing. Allele origin: germline.
Comment: The p.P218R variant (also known as c.653C>G), located in coding exon 3 of the SMARCA4 gene, results from a C to G substitution at nucleotide position 653. The proline at codon 218 is replaced by arginine, an amino acid with dissimilar properties. This amino acid position is highly conserved in available vertebrate species. In addition, the in silico prediction for this alteration is inconclusive. Missense and in-frame variants in SMARCA4 are known to cause neurodevelopmental disorders; however, such associations with rhabdoid tumor predisposition syndrome including small cell carcinoma of the ovary-hypercalcemic type (SCCOHT) are exceedingly rare (Kosho T et al. Am J Med Genet C Semin Med Genet. 2014 Sep;166C(3):262-75; Jelinic P et al. Nat Genet. 2014 May;46(5):424-6). Based on the supporting evidence, the association of this alteration with Coffin-Siris syndrome is unknown; however, the association of this alteration with rhabdoid tumor predisposition syndrome is unlikely.